The following is an entry in ClinVar:

NM_014822.4(SEC24D):c.2101G>A (p.Ala701Thr)

Gene: SEC24D (SEC24 homolog D, COPII component; minus strand). Cytogenetic location: 4q26.
Variant type: single nucleotide variant.
Coding change: c.2101G>A on transcript NM_014822.4 (MANE Select); coding-DNA position 2101, G replaced by A.
Protein change: p.Ala701Thr; replaces alanine 701 with threonine.
Molecular consequence: missense variant.
Genome position (GRCh38, 1-based): chr4:118,740,800, C>T on the plus strand (G>A on the coding strand, the complement: SEC24D is on the minus strand). VCF-style: chr4-118740800-C-T. GRCh37 (hg19) VCF-style: chr4-119661955-C-T.
Other names: c.2104G>A, p.Ala702Thr (NM_001318066.2); short protein forms A701T, A702T.
Identifiers: ClinVar variation 1385726 (VCV001385726.6), dbSNP rs368665619, ClinGen allele CA3057062.

ClinVar aggregate classification (germline): Uncertain significance (1 of 4 stars; one submission).

Allele frequency attached by ClinVar (database versions not stated): ESP Exome Variant Server 0.00008; ExAC 0.00001; gnomAD exomes 0.00001.
gnomAD v4.1: 3 of 1,613,694 alleles (0.00019%); highest among the groups gnomAD compares: Admixed American, 0.0033%; no homozygotes.

Submission:

Labcorp Genetics (formerly Invitae), Labcorp
Classification: Uncertain significance. Last evaluated: 2021-10-10. Review status: criteria provided, single submitter. Criteria: Invitae Variant Classification Sherloc (09022015). Collection method: clinical testing. Allele origin: germline.
Comment: This variant has not been reported in the literature in individuals affected with SEC24D-related conditions. In summary, the available evidence is currently insufficient to determine the role of this variant in disease. Therefore, it has been classified as a Variant of Uncertain Significance. Algorithms developed to predict the effect of missense changes on protein structure and function are either unavailable or do not agree on the potential impact of this missense change (SIFT: "Not Available"; PolyPhen-2: "Probably Damaging"; Align-GVGD: "Not Available"). This variant is present in population databases (rs368665619, ExAC 0.001%). This sequence change replaces alanine with threonine at codon 701 of the SEC24D protein (p.Ala701Thr). The alanine residue is moderately conserved and there is a small physicochemical difference between alanine and threonine.